The following is an entry in ClinVar:

NM_024685.4(BBS10):c.1034T>C (p.Ile345Thr)

Gene: BBS10 (Bardet-Biedl syndrome 10; minus strand). Cytogenetic location: 12q21.2.
Variant type: single nucleotide variant.
Coding change: c.1034T>C on transcript NM_024685.4 (MANE Select); coding-DNA position 1034, T replaced by C.
Protein change: p.Ile345Thr; replaces isoleucine 345 with threonine.
Molecular consequence: missense variant.
Genome position (GRCh38, 1-based): chr12:76,346,951, A>G on the plus strand (T>C on the coding strand, the complement: BBS10 is on the minus strand). VCF-style: chr12-76346951-A-G. GRCh37 (hg19) VCF-style: chr12-76740731-A-G.
Other names: c.1034T>C (NM_024685.3); short protein forms I345T.
Identifiers: ClinVar variation 1431980 (VCV001431980.7), dbSNP rs761897354, ClinGen allele CA6694241.

ClinVar aggregate classification (germline): Uncertain significance. Review status: criteria provided, multiple submitters, no conflicts (2 of 4 stars). 3 submissions from 3 submitters: Uncertain significance (3). Last evaluated 2025-06-30.

Conditions:
BBS10-related disorder. Also called: BBS10-related condition.
Bardet-Biedl syndrome 10 (BBS10). Identifiers: Orphanet 110, MedGen C1859568, MONDO:0014438, OMIM 615987.
Bardet-Biedl syndrome (BBS). Identifiers: Orphanet 110, MedGen C0752166, MONDO:0015229.

Allele frequency attached by ClinVar (database versions not stated): ExAC 0.00001; TOPMed 0.00001; gnomAD 0.00002; gnomAD exomes 0.00002.

Submissions (3):

PreventionGenetics, part of Exact Sciences
Classification: Uncertain significance for BBS10-related condition. Last evaluated: 2025-06-30. Review status: criteria provided, single submitter. Criteria: ACMG Guidelines, 2015. Collection method: clinical testing. Allele origin: germline.
Comment: The BBS10 c.1034T>C variant is predicted to result in the amino acid substitution p.Ile345Thr. To our knowledge, this variant has not been reported in the literature. This variant is reported in 0.0056% of alleles in individuals of Latino descent in gnomAD. At this time, the clinical significance of this variant is uncertain due to the absence of conclusive functional and genetic evidence.

Fulgent Genetics
Classification: Uncertain significance for Bardet-Biedl syndrome 10. Last evaluated: 2024-02-07. Review status: criteria provided, single submitter. Criteria: ACMG Guidelines, 2015. Collection method: clinical testing. Allele origin: germline.

Labcorp Genetics (formerly Invitae), Labcorp
Classification: Uncertain significance for Bardet-Biedl syndrome. Last evaluated: 2022-08-08. Review status: criteria provided, single submitter. Criteria: Invitae Variant Classification Sherloc (09022015). Collection method: clinical testing. Allele origin: germline.
Comment: This sequence change replaces isoleucine, which is neutral and non-polar, with threonine, which is neutral and polar, at codon 345 of the BBS10 protein (p.Ile345Thr). This variant is present in population databases (rs761897354, gnomAD 0.006%). This variant has not been reported in the literature in individuals affected with BBS10-related conditions. ClinVar contains an entry for this variant (Variation ID: 1431980). Algorithms developed to predict the effect of missense changes on protein structure and function are either unavailable or do not agree on the potential impact of this missense change (SIFT: "Deleterious"; PolyPhen-2: "Possibly Damaging"; Align-GVGD: "Class C0"). In summary, the available evidence is currently insufficient to determine the role of this variant in disease. Therefore, it has been classified as a Variant of Uncertain Significance.